The following is an entry in ClinVar:

NM_130837.3(OPA1):c.*2344A>G

Gene: OPA1 (OPA1 mitochondrial dynamin like GTPase; plus strand). Cytogenetic location: 3q29.
Variant type: single nucleotide variant.
Coding change: c.*2344A>G on transcript NM_130837.3 (MANE Select); 2344 bases downstream of the stop codon, A replaced by G.
Molecular consequence: 3 prime UTR variant.
Genome position (GRCh38, 1-based): chr3:193,696,944, A>G. VCF-style: chr3-193696944-A-G. GRCh37 (hg19) VCF-style: chr3-193414733-A-G.
Other names: c.*2344A>G (NM_001354663.2, NM_001354664.2, NM_015560.3 and 6 more transcripts).
Identifiers: ClinVar variation 344512 (VCV000344512.6), dbSNP rs1056392, ClinGen allele CA10615467.

ClinVar aggregate classification (germline): Benign. Review status: criteria provided, multiple submitters, no conflicts (2 of 4 stars). 2 submissions from 2 submitters: Benign (2). Last evaluated 2018-01-13.

Conditions:
Autosomal dominant optic atrophy classic form (OPA1). Also called: KJER-TYPE OPTIC ATROPHY; OPTIC ATROPHY, JUVENILE; Optic Atrophy Type 1. Identifiers: Orphanet 98673, MedGen C0338508, MONDO:0008134, OMIM 165500.

Allele frequency attached by ClinVar (database versions not stated): gnomAD exomes 0.16667; 1000 Genomes Project 30x 0.33604; 1000 Genomes Project 0.33786; TOPMed 0.34583; gnomAD 0.34834 and 0.35025.
gnomAD v4.1: 53,103 of 152,082 alleles (35%); highest among the groups gnomAD compares: South Asian, 35%; 9,421 homozygotes.

Submissions (2):

Illumina Laboratory Services, Illumina
Classification: Benign for Autosomal dominant optic atrophy classic form. Last evaluated: 2018-01-13. Review status: criteria provided, single submitter. Criteria: ICSL Variant Classification Criteria 13 December 2019. Collection method: clinical testing. Allele origin: germline.
Comment: This variant was observed in the ICSL laboratory as part of a predisposition screen in an ostensibly healthy population. It had not been previously curated by ICSL or reported in the Human Gene Mutation Database (HGMD: prior to June 1st, 2018), and was therefore a candidate for classification through an automated scoring system. Utilizing variant allele frequency, disease prevalence and penetrance estimates, and inheritance mode, an automated score was calculated to assess if this variant is too frequent to cause the disease. Based on the score and internal cut-off values, a variant classified as benign is not then subjected to further curation. The score for this variant resulted in a classification of benign for this disease.

Breakthrough Genomics
Classification: Benign. Review status: criteria provided, single submitter. Criteria: ACMG Guidelines, 2015. Collection method: not provided. Allele origin: germline. Inheritance: Autosomal recessive inheritance. Affected: yes.